The following is an entry in ClinVar:

ClinVar aggregate classification (germline): Likely pathogenic (1 of 4 stars; one submission).

Conditions:
Marfan syndrome (MFS). Also called: FBN1-Related Marfan Syndrome; MARFAN SYNDROME, TYPE I; Marfan syndrome type 1; Marfan's syndrome; Marfan syndrome, classic. Identifiers: Orphanet 284963, Orphanet 558, MedGen C0024796, MONDO:0007947, OMIM 154700.
Familial thoracic aortic aneurysm and aortic dissection (TAAD). Also called: Thoracic aortic aneurysms and dissections. Identifiers: Orphanet 91387, MedGen C4707243, MONDO:0019625.

Submission:

Labcorp Genetics (formerly Invitae), Labcorp
Classification: Likely pathogenic for Marfan syndrome; Familial thoracic aortic aneurysm and aortic dissection. Last evaluated: 2023-10-14. Review status: criteria provided, single submitter. Criteria: Invitae Variant Classification Sherloc (09022015). Collection method: clinical testing. Allele origin: germline.
Comment: This sequence change falls in intron 38 of the FBN1 gene. It does not directly change the encoded amino acid sequence of the FBN1 protein. It affects a nucleotide within the consensus splice site. This variant is not present in population databases (gnomAD no frequency). This variant has been observed in individual(s) with clinical features of Marfan syndrome (Invitae). It has also been observed to segregate with disease in related individuals. ClinVar contains an entry for this variant (Variation ID: 960597). Variants that disrupt the consensus splice site are a relatively common cause of aberrant splicing (PMID: 17576681, 9536098). Algorithms developed to predict the effect of sequence changes on RNA splicing suggest that this variant may disrupt the consensus splice site. In summary, the currently available evidence indicates that the variant is pathogenic, but additional data are needed to prove that conclusively. Therefore, this variant has been classified as Likely Pathogenic.

Literature cited by the submitters: PubMed 17576681; PubMed 9536098.

NM_000138.5(FBN1):c.4747+3A>T

Gene: FBN1 (fibrillin 1; minus strand). Cytogenetic location: 15q21.1.
Variant type: single nucleotide variant.
Coding change: c.4747+3A>T on transcript NM_000138.5 (MANE Select); 3 bases into the intron after coding-DNA position 4747, A replaced by T.
Molecular consequence: intron variant.
Genome position (GRCh38, 1-based): chr15:48,467,935, T>A on the plus strand (A>T on the coding strand, the complement: FBN1 is on the minus strand). VCF-style: chr15-48467935-T-A. GRCh37 (hg19) VCF-style: chr15-48760132-T-A.
Identifiers: ClinVar variation 960597 (VCV000960597.9), dbSNP rs1555397145, ClinGen allele CA1139663945.